The following is an entry in ClinVar:

NM_000245.4(MET):c.4118A>T (p.Asp1373Val)

Gene: MET (MET proto-oncogene, receptor tyrosine kinase; plus strand). Cytogenetic location: 7q31.2.
Variant type: single nucleotide variant.
Coding change: c.4118A>T on transcript NM_000245.4 (MANE Select); coding-DNA position 4118, A replaced by T.
Protein change: p.Asp1373Val; replaces aspartic acid 1373 with valine.
Molecular consequence: missense variant.
Genome position (GRCh38, 1-based): chr7:116,796,069, A>T. VCF-style: chr7-116796069-A-T. GRCh37 (hg19) VCF-style: chr7-116436123-A-T.
Other names: c.4172A>T, p.Asp1391Val (NM_001127500.3); c.2828A>T, p.Asp943Val (NM_001324402.2); short protein forms D1373V, D1391V, D943V.
Identifiers: ClinVar variation 824647 (VCV000824647.14), dbSNP rs773898036, ClinGen allele CA4448831.

ClinVar aggregate classification (germline): Conflicting classifications of pathogenicity. Review status: criteria provided, conflicting classifications (1 of 4 stars). 2 submissions from 2 submitters: Uncertain significance (1); Likely benign (1). Last evaluated 2026-01-02.

Conditions:
Renal cell carcinoma. Identifiers: Orphanet 217071, MedGen C0007134, MeSH D002292, MONDO:0005086, HP:0005584.
Hereditary cancer-predisposing syndrome. Also called: Neoplastic Syndromes, Hereditary; Tumor predisposition; Hereditary neoplastic syndrome; Hereditary Cancer Syndrome. Identifiers: Orphanet 140162, MedGen C0027672, MeSH D009386, MONDO:0015356.

gnomAD v4.1: 5 of 1,614,026 alleles (0.00031%); highest among the groups gnomAD compares: East Asian, 0.011%; no homozygotes.

Submissions (2):

Labcorp Genetics (formerly Invitae), Labcorp
Classification: Uncertain significance for Renal cell carcinoma. Last evaluated: 2026-01-02. Review status: criteria provided, single submitter. Criteria: Invitae Variant Classification Sherloc (09022015). Collection method: clinical testing. Allele origin: germline.
Comment: This sequence change replaces aspartic acid, which is acidic and polar, with valine, which is neutral and non-polar, at codon 1391 of the MET protein (p.Asp1391Val). This variant is present in population databases (rs773898036, gnomAD 0.01%). This variant has not been reported in the literature in individuals affected with MET-related conditions. ClinVar contains an entry for this variant (Variation ID: 824647). An algorithm developed to predict the effect of missense changes on protein structure and function (PolyPhen-2) suggests that this variant is likely to be disruptive. In summary, the available evidence is currently insufficient to determine the role of this variant in disease. Therefore, it has been classified as a Variant of Uncertain Significance.

Ambry Genetics
Classification: Likely benign for Hereditary cancer-predisposing syndrome. Last evaluated: 2023-09-15. Review status: criteria provided, single submitter. Criteria: Ambry Variant Classification Scheme 2023. Collection method: clinical testing. Allele origin: germline.